The following is an entry in ClinVar:

ClinVar aggregate classification (germline): Likely benign (1 of 4 stars; one submission).

Conditions:
Charcot-Marie-Tooth disease type 1F. Also called: Charcot-Marie-Tooth disease, demyelinating, type 1f; CHARCOT-MARIE-TOOTH NEUROPATHY, TYPE 1F. Identifiers: Orphanet 101085, MedGen C1843164, MONDO:0011902, OMIM 607734.

Allele frequency attached by ClinVar (database versions not stated): gnomAD exomes 0.00021; TOPMed 0.00036; gnomAD 0.00038; 1000 Genomes Project 0.00040; 1000 Genomes Project 30x 0.00078.

Submission:

Illumina Laboratory Services, Illumina
Classification: Likely benign for Charcot-Marie-Tooth disease type 1F. Last evaluated: 2018-01-12. Review status: criteria provided, single submitter. Criteria: ICSL Variant Classification Criteria 13 December 2019. Collection method: clinical testing. Allele origin: germline.
Comment: This variant was observed in the ICSL laboratory as part of a predisposition screen in an ostensibly healthy population. It had not been previously curated by ICSL or reported in the Human Gene Mutation Database (HGMD: prior to June 1st, 2018), and was therefore a candidate for classification through an automated scoring system. Utilizing variant allele frequency, disease prevalence and penetrance estimates, and inheritance mode, an automated score was calculated to assess if this variant is too frequent to cause the disease. Based on the score and internal cut-off values, a variant classified as likely benign is not then subjected to further curation. The score for this variant resulted in a classification of likely benign for this disease.

NM_006158.5(NEFL):c.*436T>G

Gene: NEFL (neurofilament light chain; minus strand). Cytogenetic location: 8p21.2.
Variant type: single nucleotide variant.
Coding change: c.*436T>G on transcript NM_006158.5 (MANE Select); 436 bases downstream of the stop codon, T replaced by G.
Molecular consequence: 3 prime UTR variant.
Genome position (GRCh38, 1-based): chr8:24,952,374, A>C on the plus strand (T>G on the coding strand, the complement: NEFL is on the minus strand). VCF-style: chr8-24952374-A-C. GRCh37 (hg19) VCF-style: chr8-24809887-A-C.
Identifiers: ClinVar variation 909615 (VCV000909615.4), dbSNP rs542234603, ClinGen allele CA174057298.